The following is an entry in ClinVar:

NM_019842.4(KCNQ5):c.1221-4G>A

Gene: KCNQ5 (potassium voltage-gated channel subfamily Q member 5; plus strand). Cytogenetic location: 6q13.
Variant type: single nucleotide variant.
Coding change: c.1221-4G>A on transcript NM_019842.4 (MANE Select); 4 bases into the intron before coding-DNA position 1221, G replaced by A.
Molecular consequence: intron variant.
Genome position (GRCh38, 1-based): chr6:73,124,482, G>A. VCF-style: chr6-73124482-G-A. GRCh37 (hg19) VCF-style: chr6-73834205-G-A.
Other names: c.1221-4G>A (NM_001160133.2, NM_001160134.2); c.1220+3905G>A (NM_001160132.2, NM_001160130.2).
Identifiers: ClinVar variation 2656699 (VCV002656699.24), dbSNP rs2533729674, ClinGen allele CA2695198283.
Genomic context (GRCh38, chr6:73,124,482, plus strand): 5'-TCAAGTGCTATAAATATATTCACTGGTTTATCATCATTTCTCTTCTGCCTGCACGCACCT[G>A]AAGGAAAGAACAAGGGGAAGCATCAAGCAGGTTTGTGATTTCTCTCTTGCTACATGTTTG-3'

ClinVar aggregate classification (germline): Uncertain significance (1 of 4 stars; one submission).

Submission:

CeGaT Center for Human Genetics Tuebingen
Classification: Uncertain significance. Last evaluated: 2023-08-01. Review status: criteria provided, single submitter. Criteria: CeGaT Center For Human Genetics Tuebingen Variant Classification Criteria Version 2. Collection method: clinical testing. Allele origin: germline. Affected: yes. Observed: 1 variant allele.
Comment: KCNQ5: PM2, BP4